The following is an entry in ClinVar:

NM_001378418.1(TCF20):c.731C>G (p.Ser244Cys)

Gene: TCF20 (transcription factor 20; minus strand). Cytogenetic location: 22q13.2.
Variant type: single nucleotide variant.
Coding change: c.731C>G on transcript NM_001378418.1 (MANE Select); coding-DNA position 731, C replaced by G.
Protein change: p.Ser244Cys; replaces serine 244 with cysteine.
Molecular consequence: missense variant.
Genome position (GRCh38, 1-based): chr22:42,214,575, G>C on the plus strand (C>G on the coding strand, the complement: TCF20 is on the minus strand). VCF-style: chr22-42214575-G-C. GRCh37 (hg19) VCF-style: chr22-42610581-G-C.
Other names: c.731C>G, p.Ser244Cys (NM_005650.4, NM_181492.3); short protein forms S244C.
Identifiers: ClinVar variation 2102920 (VCV002102920.4), dbSNP rs2518242829, ClinGen allele CA411792369.

ClinVar aggregate classification (germline): Uncertain significance (1 of 4 stars; one submission).

Submission:

Labcorp Genetics (formerly Invitae), Labcorp
Classification: Uncertain significance. Last evaluated: 2022-04-04. Review status: criteria provided, single submitter. Criteria: Invitae Variant Classification Sherloc (09022015). Collection method: clinical testing. Allele origin: germline.
Comment: This variant has not been reported in the literature in individuals affected with TCF20-related conditions. In summary, the available evidence is currently insufficient to determine the role of this variant in disease. Therefore, it has been classified as a Variant of Uncertain Significance. Algorithms developed to predict the effect of missense changes on protein structure and function are either unavailable or do not agree on the potential impact of this missense change (SIFT: "Deleterious"; PolyPhen-2: "Possibly Damaging"; Align-GVGD: "Class C0"). This variant is not present in population databases (gnomAD no frequency). This sequence change replaces serine, which is neutral and polar, with cysteine, which is neutral and slightly polar, at codon 244 of the TCF20 protein (p.Ser244Cys).